The following is an entry in ClinVar:

NM_001191057.4(PDE1C):c.1439G>A (p.Arg480Gln)

Gene: PDE1C (phosphodiesterase 1C; minus strand). Cytogenetic location: 7p14.3.
Variant type: single nucleotide variant.
Coding change: c.1439G>A on transcript NM_001191057.4 (MANE Select); coding-DNA position 1439, G replaced by A.
Protein change: p.Arg480Gln; replaces arginine 480 with glutamine.
Molecular consequence: missense variant.
Genome position (GRCh38, 1-based): chr7:31,823,216, C>T on the plus strand (G>A on the coding strand, the complement: PDE1C is on the minus strand). VCF-style: chr7-31823216-C-T. GRCh37 (hg19) VCF-style: chr7-31862830-C-T.
Other names: c.1439G>A, p.Arg480Gln (NM_001191056.3, NM_001191059.4, NM_001322055.2 and 3 more transcripts); c.1619G>A, p.Arg540Gln (NM_001191058.4, NM_001322058.2); c.1844G>A, p.Arg615Gln (NM_001322059.2); short protein forms R540Q, R480Q, R615Q.
Identifiers: ClinVar variation 4990511 (VCV004990511.1).

ClinVar aggregate classification (germline): Uncertain significance (1 of 4 stars; one submission).

Conditions:
PDE1C-related disorder. Also called: PDE1C-related condition.

gnomAD v4.1: 105 of 1,611,562 alleles (0.0065%); highest among the groups gnomAD compares: Non-Finnish European, 0.0079%; no homozygotes.

Submission:

PreventionGenetics, part of Exact Sciences
Classification: Uncertain significance for PDE1C-related condition. Last evaluated: 2025-09-26. Review status: criteria provided, single submitter. Criteria: ACMG Guidelines, 2015. Collection method: clinical testing. Allele origin: germline.
Comment: The PDE1C c.1619G>A variant is predicted to result in the amino acid substitution p.Arg540Gln. To our knowledge, this variant has not been reported in the literature. This variant is reported in 0.0086% of alleles in individuals of European (Non-Finnish) descent in gnomAD. At this time, the clinical significance of this variant is uncertain due to the absence of conclusive functional and genetic evidence.